The following is an entry in ClinVar:

ClinVar aggregate classification (germline): Conflicting classifications of pathogenicity. Review status: criteria provided, conflicting classifications (1 of 4 stars). 4 submissions from 4 submitters: Pathogenic (1); Likely pathogenic (2); Uncertain significance (1). Last evaluated 2026-03-24.

Conditions:
Acrodysostosis 1 with or without hormone resistance (ACRDYS1). Also called: ACRODYSOSTOSIS WITH HORMONE RESISTANCE; ACRODYSOSTOSIS 1 WITH HORMONE RESISTANCE; ACRODYSOSTOSIS 1 WITHOUT HORMONE RESISTANCE. Identifiers: Orphanet 280651, MedGen C3276228, MONDO:0007044, OMIM 101800.
Carney complex, type 1 (CNC1). Also called: CARNEY MYXOMA-ENDOCRINE COMPLEX; CARNEY COMPLEX, TYPE I. Identifiers: Orphanet 1359, MedGen C2607929, MONDO:0008057, OMIM 160980.

Submissions (4):

GeneDx
Classification: Likely pathogenic. Last evaluated: 2026-03-24. Review status: criteria provided, single submitter. Criteria: GeneDx Variant Classification Process June 2021. Collection method: clinical testing. Allele origin: germline.
Comment: Observed in a cohort of patients with suspected skeletal dysplasia or growth disorder (PMID: 34627339); Not observed at significant frequency in large population cohorts (gnomAD); In silico analysis suggests that this missense variant does not alter protein structure/function; This variant is associated with the following publications: (PMID: 34627339, 24363928)

Center for Human Genetics and Genomic Medicine, Uniklinik Rwth Aachen
Classification: Likely pathogenic for Acrodysostosis 1 with or without hormone resistance. Last evaluated: 2025-11-17. Review status: criteria provided, single submitter. Criteria: ACMG Guidelines, 2015. Collection method: clinical testing. Allele origin: de novo. Inheritance: Autosomal dominant inheritance. Affected: yes. Observed: 1 variant allele, 1 heterozygote.
Comment: To date, this variant has not been reported in the literature or in the ClinVar database. In the general population (gnomAD v4.1.0), it has not yet been detected (PM2_sup). This is a missense variant located in the cAMP-dependent regulatory subunit 1 of PRKAR1A. Missense variants in this domain have previously been associated with acrodysostosis (Linglart et al, 2011, Michot et al., 2012, Lee et al., 2012) (PM1). Bioinformatics prediction tools (REVEL (v2021-05-03), CADD (v1.6); accessed via Alamut Visual Plus v.1.13 on November 14, 2025) classify the variant as likely pathogenic (PP3_sup).

Labcorp Genetics (formerly Invitae), Labcorp
Classification: Pathogenic for Carney complex, type 1. Last evaluated: 2025-08-21. Review status: criteria provided, single submitter. Criteria: Invitae Variant Classification Sherloc (09022015). Collection method: clinical testing. Allele origin: germline.
Comment: This sequence change replaces leucine, which is neutral and non-polar, with valine, which is neutral and non-polar, at codon 359 of the PRKAR1A protein (p.Leu359Val). This variant is not present in population databases (gnomAD no frequency). This missense change has been observed in individual(s) with clinical features of PRKAR1A-related conditions (PMID: 34627339; internal data). In at least one individual the variant was observed to be de novo. ClinVar contains an entry for this variant (Variation ID: 1224452). Invitae Evidence Modeling of protein sequence and biophysical properties (such as structural, functional, and spatial information, amino acid conservation, physicochemical variation, residue mobility, and thermodynamic stability) indicates that this missense variant is expected to disrupt PRKAR1A protein function with a positive predictive value of 80%. For these reasons, this variant has been classified as Pathogenic.

Blueprint Genetics
Classification: Uncertain significance. Last evaluated: 2019-11-18. Review status: criteria provided, single submitter. Criteria: ACMG Guidelines, 2015. Collection method: clinical testing. Allele origin: germline.

Literature cited by the submitters: PubMed 21651393 (cited by Center for Human Genetics and Genomic Medicine, Uniklinik Rwth Aachen); PubMed 22464250 (cited by Center for Human Genetics and Genomic Medicine, Uniklinik Rwth Aachen); PubMed 22464252 (cited by Center for Human Genetics and Genomic Medicine, Uniklinik Rwth Aachen); PubMed 34627339 (cited by Labcorp Genetics (formerly Invitae), Labcorp).

NM_002734.5(PRKAR1A):c.1075C>G (p.Leu359Val)

Gene: PRKAR1A (protein kinase cAMP-dependent type I regulatory subunit alpha; plus strand). Cytogenetic location: 17q24.2.
Variant type: single nucleotide variant.
Coding change: c.1075C>G on transcript NM_002734.5 (MANE Select); coding-DNA position 1075, C replaced by G.
Protein change: p.Leu359Val; replaces leucine 359 with valine.
Molecular consequence: missense variant. On other transcripts: intron variant (1).
Genome position (GRCh38, 1-based): chr17:68,530,378, C>G. VCF-style: chr17-68530378-C-G. GRCh37 (hg19) VCF-style: chr17-66526519-C-G.
Other names: c.1075C>G, p.Leu359Val (NM_001276289.2, NM_001278433.2, NM_001369389.1 and 3 more transcripts); c.973+377C>G (NM_001276290.1); c.1075C>G (NM_002734.3); short protein forms L359V.
Identifiers: ClinVar variation 1224452 (VCV001224452.9), dbSNP rs2143391287, ClinGen allele CA400754772.